The following is an entry in ClinVar:

ClinVar aggregate classification (germline): Conflicting classifications of pathogenicity. Review status: criteria provided, conflicting classifications (1 of 4 stars). 4 submissions from 4 submitters: Uncertain significance (3); Likely benign (1). Last evaluated 2026-08-18.

Conditions:
TRPM1-related disorder. Also called: TRPM1-related condition.

Allele frequency attached by ClinVar (database versions not stated): gnomAD exomes 0.00002 and 0.00010; ExAC 0.00016; gnomAD 0.00019 and 0.00020; TOPMed 0.00021; 1000 Genomes Project 30x 0.00031; 1000 Genomes Project 0.00040; ESP Exome Variant Server 0.00041.
gnomAD v4.1: 65 of 1,614,158 alleles (0.004%); highest among the groups gnomAD compares: African/African-American, 0.071%; no homozygotes.

Submissions (4):

PreventionGenetics, part of Exact Sciences
Classification: Uncertain significance for TRPM1-related condition. Last evaluated: 2026-08-18. Review status: criteria provided, single submitter. Criteria: ACMG Guidelines, 2015. Collection method: clinical testing. Allele origin: germline.
Comment: The TRPM1 c.4732C>T variant is predicted to result in the amino acid substitution p.Pro1578Ser. To our knowledge, this variant has not been reported in the literature. This variant is reported in 0.095% of alleles in individuals of African descent in gnomAD, which may be too frequent to be a primary cause of disease. Although we suspect that this variant may be benign, at this time, the clinical significance of this variant is uncertain due to the absence of conclusive functional and genetic evidence.

Labcorp Genetics (formerly Invitae), Labcorp
Classification: Likely benign. Last evaluated: 2025-01-06. Review status: criteria provided, single submitter. Criteria: Invitae Variant Classification Sherloc (09022015). Collection method: clinical testing. Allele origin: germline.

Blueprint Genetics
Classification: Uncertain significance. Last evaluated: 2022-10-11. Review status: criteria provided, single submitter. Criteria: ACMG Guidelines, 2015. Collection method: clinical testing. Allele origin: germline.

Eurofins Ntd Llc (ga)
Classification: Uncertain significance. Last evaluated: 2015-07-28. Review status: criteria provided, single submitter. Criteria: EGL Classification Definitions 2015. Collection method: clinical testing. Allele origin: germline. Observed: 1 variant allele, 1 heterozygote.

NM_001252024.2(TRPM1):c.4681C>T (p.Pro1561Ser)

Gene: TRPM1 (transient receptor potential cation channel subfamily M member 1; minus strand). Cytogenetic location: 15q13.3.
Variant type: single nucleotide variant.
Coding change: c.4681C>T on transcript NM_001252024.2 (MANE Select); coding-DNA position 4681, C replaced by T.
Protein change: p.Pro1561Ser; replaces proline 1561 with serine.
Molecular consequence: missense variant.
Genome position (GRCh38, 1-based): chr15:31,002,019, G>A on the plus strand (C>T on the coding strand, the complement: TRPM1 is on the minus strand). VCF-style: chr15-31002019-G-A. GRCh37 (hg19) VCF-style: chr15-31294222-G-A.
Other names: c.4732C>T (NM_001252020.1); c.4732C>T, p.Pro1578Ser (NM_001252020.2); c.4615C>T, p.Pro1539Ser (NM_002420.6); short protein forms P1539S, P1578S, P1561S.
Identifiers: ClinVar variation 281805 (VCV000281805.14), dbSNP rs183837653, ClinGen allele CA7451593.